The following is an entry in ClinVar:

NC_000017.10:g.(?_41219605)_(41221064_?)del

Gene: BRCA1 (BRCA1 DNA repair associated; minus strand). Cytogenetic location: 17q21.31.
Variant type: Deletion.
Identifiers: ClinVar variation 3242982 (VCV003242982.1).

ClinVar aggregate classification (germline): Pathogenic (1 of 4 stars; one submission).

Conditions:
Hereditary breast ovarian cancer syndrome. Also called: Hereditary breast and ovarian cancer syndrome; Hereditary breast and ovarian cancer; Hereditary breast and ovarian cancer syndrome (HBOC); Breast and ovarian cancer; Hereditary breast and/or ovarian cancer syndrome; BRCA1- and BRCA2-Associated Hereditary Breast and Ovarian Cancer. Identifiers: Orphanet 145, MedGen C0677776, MeSH D061325, MONDO:0003582. Disease mechanism: loss of function.

Submission:

Labcorp Genetics (formerly Invitae), Labcorp
Classification: Pathogenic for Hereditary breast ovarian cancer syndrome. Last evaluated: 2023-12-29. Review status: criteria provided, single submitter. Criteria: Invitae Variant Classification Sherloc (09022015). Collection method: clinical testing. Allele origin: unknown.
Comment: This variant is a gross deletion of the genomic region encompassing exon(s) 16 of the BRCA1 gene. This deletion is out-of-frame, and is expected to create a premature termination codon and result in an absent or disrupted protein product. Loss-of-function variants in BRCA1 are known to be pathogenic (PMID: 20104584). A similar copy number variant has been observed in individual(s) with hereditary breast and ovarian cancer (PMID: 10435598, 16551709, 16715518, 18431737). This variant is also known as deletion of exon 17. For these reasons, this variant has been classified as Pathogenic.

Literature cited by the submitters: PubMed 20104584; PubMed 10435598; PubMed 16551709; PubMed 16715518; PubMed 18431737.